The following is an entry in ClinVar:

ClinVar aggregate classification (germline): Uncertain significance. Review status: criteria provided, multiple submitters, no conflicts (2 of 4 stars). 2 submissions from 2 submitters: Uncertain significance (2). Last evaluated 2025-08-24.

Conditions:
Inborn genetic diseases. Identifiers: MedGen C0950123, MeSH D030342.

Allele frequency attached by ClinVar (database versions not stated): ExAC 0.00001; gnomAD exomes 0.00001; gnomAD 0.00007; TOPMed 0.00013.
gnomAD v4.1: 27 of 1,614,088 alleles (0.0017%); highest among the groups gnomAD compares: Admixed American, 0.03%; no homozygotes.

Submissions (2):

Ambry Genetics
Classification: Uncertain significance for Inborn genetic diseases. Last evaluated: 2025-08-24. Review status: criteria provided, single submitter. Criteria: Ambry Variant Classification Scheme 2023. Collection method: clinical testing. Allele origin: germline.

Labcorp Genetics (formerly Invitae), Labcorp
Classification: Uncertain significance. Last evaluated: 2023-12-11. Review status: criteria provided, single submitter. Criteria: Invitae Variant Classification Sherloc (09022015). Collection method: clinical testing. Allele origin: germline.
Comment: This sequence change replaces lysine, which is basic and polar, with arginine, which is basic and polar, at codon 2710 of the BPTF protein (p.Lys2710Arg). This variant is present in population databases (rs782444567, gnomAD 0.02%). This variant has not been reported in the literature in individuals affected with BPTF-related conditions. An algorithm developed to predict the effect of missense changes on protein structure and function (PolyPhen-2) suggests that this variant is likely to be disruptive. In summary, the available evidence is currently insufficient to determine the role of this variant in disease. Therefore, it has been classified as a Variant of Uncertain Significance.

NM_182641.4(BPTF):c.8180A>G (p.Lys2727Arg)

Gene: BPTF (bromodomain PHD finger transcription factor; plus strand). Cytogenetic location: 17q24.2.
Variant type: single nucleotide variant.
Coding change: c.8180A>G on transcript NM_182641.4 (MANE Select); coding-DNA position 8180, A replaced by G.
Protein change: p.Lys2727Arg; replaces lysine 2727 with arginine.
Molecular consequence: missense variant.
Genome position (GRCh38, 1-based): chr17:67,959,794, A>G. VCF-style: chr17-67959794-A-G. GRCh37 (hg19) VCF-style: chr17-65955910-A-G.
Other names: c.8180A>G (NM_182641.3); c.8129A>G, p.Lys2710Arg (NM_004459.7); short protein forms K2727R, K2710R.
Identifiers: ClinVar variation 3004052 (VCV003004052.4), dbSNP rs782444567, ClinGen allele CA8726536.